The following is an entry in ClinVar:

ClinVar aggregate classification (germline): Pathogenic. Review status: reviewed by expert panel (3 of 4 stars). 2 submissions from 2 submitters: Pathogenic (1). 1 of the submissions does not count toward it. Last evaluated 2017-12-15.

Conditions:
Familial cancer of breast. Also called: BREAST CANCER, FAMILIAL; Hereditary breast cancer; hereditary breast carcinoma. Identifiers: Orphanet 227535, MedGen C0346153, MONDO:0016419, OMIM 114480. Disease mechanism: loss of function.
Breast-ovarian cancer, familial, susceptibility to, 2 (BROVCA2). Also called: BRCA2 Hereditary Breast and Ovarian Cancer. Identifiers: Orphanet 145, MedGen C2675520, MONDO:0012933, OMIM 612555. Disease mechanism: loss of function.

Submissions (2):

Evidence-based Network for the Interpretation of Germline Mutant Alleles (ENIGMA)
Classification: Pathogenic for Breast-ovarian cancer, familial, susceptibility to, 2. Last evaluated: 2017-12-15. Review status: reviewed by expert panel. Criteria: ENIGMA BRCA1/2 Classification Criteria (2017-06-29). Collection method: curation. Allele origin: germline. Study: ENIGMA.
Comment: Variant allele predicted to encode a truncated non-functional protein.

ClinVar Staff, National Center for Biotechnology Information (NCBI)
No classification provided. Condition: Familial cancer of breast. Review status: no classification provided. Collection method: literature only. Allele origin: germline. Affected: yes. Not counted in ClinVar's aggregate classification.

Literature cited by the submitters: PubMed 19377795 (cited by ClinVar Staff, National Center for Biotechnology Information (NCBI)).

NM_000059.4(BRCA2):c.5650_5659del (p.Ile1884fs)

Gene: BRCA2 (BRCA2 DNA repair associated; plus strand). Cytogenetic location: 13q13.1.
Variant type: Deletion.
Coding change: c.5650_5659del on transcript NM_000059.4 (MANE Select); coding-DNA positions 5650 to 5659, 10 bases deleted (ATTTGCCAAA; older notation c.5650_5659delATTTGCCAAA).
Protein change: p.Ile1884fs; shifts the reading frame from isoleucine 1884.
Molecular consequence: frameshift variant.
Genome position (GRCh38, 1-based): chr13:32,340,005-32,340,014, ATTTGCCAAA deleted; deleting any 10 consecutive bases within chr13:32,340,002-32,340,014 gives the same sequence; the c. name uses the placement nearest the transcript's 3' end. VCF-style (leftmost placement, unchanged base first): chr13-32340001-AAAAATTTGCC-A. GRCh37 (hg19) VCF-style: chr13-32914138-AAAAATTTGCC-A.
Other names: c.5650_5659delATTTGCCAAA (NM_000059.3); short protein forms I1884fs.
Identifiers: ClinVar variation 51898 (VCV000051898.3), dbSNP rs397507794, ClinGen allele CA022835.
Genomic context (GRCh38, chr13:32,340,001, plus strand): 5'-GAAAGACATATTTACAGACAGTTTCAGTAAAGTAATTAAGGAAAACAACGAGAATAAATC[AAAAATTTGCC>A]AAACGAAAATTATGGCAGGTTGTTACGAGGCATTGGATGATTCAGAGGATATTCTTCATA-3'